The following is an entry in ClinVar:

NM_000459.5(TEK):c.922G>A (p.Gly308Arg)

Gene: TEK (TEK receptor tyrosine kinase; plus strand). Cytogenetic location: 9p21.2.
Variant type: single nucleotide variant.
Coding change: c.922G>A on transcript NM_000459.5 (MANE Select); coding-DNA position 922, G replaced by A.
Protein change: p.Gly308Arg; replaces glycine 308 with arginine.
Molecular consequence: missense variant. On other transcripts: intron variant (3).
Genome position (GRCh38, 1-based): chr9:27,180,260, G>A. VCF-style: chr9-27180260-G-A. GRCh37 (hg19) VCF-style: chr9-27180258-G-A.
Other names: c.922G>A, p.Gly308Arg (NM_001375475.1); c.902-3199G>A (NM_001290077.2, NM_001375476.1); c.590-3199G>A (NM_001290078.2); short protein forms G308R.
Identifiers: ClinVar variation 931734 (VCV000931734.3), dbSNP rs752184169, ClinGen allele CA5016069.

ClinVar aggregate classification (germline): Uncertain significance (1 of 4 stars; one submission).

Conditions:
Glaucoma 3, primary congenital, E (GLC3E). Identifiers: MedGen C4310639, MONDO:0014998, OMIM 617272.

Allele frequency attached by ClinVar (database versions not stated): gnomAD exomes 0.00001; ExAC 0.00002.
gnomAD v4.1: 5 of 1,613,706 alleles (0.00031%); highest among the groups gnomAD compares: Non-Finnish European, 0.00034%; no homozygotes.

Submission:

Centre for Mendelian Genomics, University Medical Centre Ljubljana
Classification: Uncertain significance for Glaucoma 3, primary congenital, E. Last evaluated: 2020-04-02. Review status: criteria provided, single submitter. Criteria: ACMG Guidelines, 2015. Collection method: clinical testing. Allele origin: unknown. Affected: yes.
Comment: This variant was classified as: Uncertain significance. The available evidence on this variant's pathogenicity is insufficient or conflicting. The following ACMG criteria were applied in classifying this variant: PP3,BS2.